The following is an entry in ClinVar:

NM_003239.5(TGFB3):c.1080+5G>A

Gene: TGFB3 (transforming growth factor beta 3; minus strand). Cytogenetic location: 14q24.3.
Variant type: single nucleotide variant.
Coding change: c.1080+5G>A on transcript NM_003239.5 (MANE Select); 5 bases into the intron after coding-DNA position 1080, G replaced by A.
Molecular consequence: intron variant.
Genome position (GRCh38, 1-based): chr14:75,960,918, C>T on the plus strand (G>A on the coding strand, the complement: TGFB3 is on the minus strand). VCF-style: chr14-75960918-C-T. GRCh37 (hg19) VCF-style: chr14-76427261-C-T.
Other names: c.1080+5G>A (NM_001329939.2).
Identifiers: ClinVar variation 3632237 (VCV003632237.3).

ClinVar aggregate classification (germline): Uncertain significance. Review status: criteria provided, multiple submitters, no conflicts (2 of 4 stars). 2 submissions from 2 submitters: Uncertain significance (2). Last evaluated 2024-06-12.

Conditions:
Rienhoff syndrome. Also called: LOEYS-DIETZ SYNDROME 5. Identifiers: MedGen C3810012, MONDO:0014262, OMIM 615582.

Submissions (2):

Blueprint Genetics
Classification: Uncertain significance. Last evaluated: 2024-06-12. Review status: criteria provided, single submitter. Criteria: ACMG Guidelines, 2015. Collection method: clinical testing. Allele origin: germline.

Labcorp Genetics (formerly Invitae), Labcorp
Classification: Uncertain significance for Rienhoff syndrome. Last evaluated: 2024-03-26. Review status: criteria provided, single submitter. Criteria: Invitae Variant Classification Sherloc (09022015). Collection method: clinical testing. Allele origin: germline.
Comment: This sequence change falls in intron 6 of the TGFB3 gene. It does not directly change the encoded amino acid sequence of the TGFB3 protein. It affects a nucleotide within the consensus splice site. This variant is not present in population databases (gnomAD no frequency). This variant has not been reported in the literature in individuals affected with TGFB3-related conditions. Variants that disrupt the consensus splice site are a relatively common cause of aberrant splicing (PMID: 17576681, 9536098). Algorithms developed to predict the effect of sequence changes on RNA splicing suggest that this variant may disrupt the consensus splice site. In summary, the available evidence is currently insufficient to determine the role of this variant in disease. Therefore, it has been classified as a Variant of Uncertain Significance.

Literature cited by the submitters: PubMed 17576681 (cited by Labcorp Genetics (formerly Invitae), Labcorp); PubMed 9536098 (cited by Labcorp Genetics (formerly Invitae), Labcorp).